The following is an entry in ClinVar:

NM_001792.5(CDH2):c.2403C>G (p.Ile801Met)

Genes: CDH2 (cadherin 2; minus strand), CDH2-AS1 (CDH2 antisense RNA 1; plus strand). Cytogenetic location: 18q12.1.
Variant type: single nucleotide variant.
Coding change: c.2403C>G on transcript NM_001792.5 (MANE Select); coding-DNA position 2403, C replaced by G.
Protein change: p.Ile801Met; replaces isoleucine 801 with methionine.
Molecular consequence: missense variant.
Genome position (GRCh38, 1-based): chr18:27,963,468, G>C on the plus strand (C>G on the coding strand, the complement: CDH2 is on the minus strand). VCF-style: chr18-27963468-G-C. GRCh37 (hg19) VCF-style: chr18-25543432-G-C.
Other names: c.2310C>G, p.Ile770Met (NM_001308176.2); short protein forms I801M, I770M.
Identifiers: ClinVar variation 1468485 (VCV001468485.6), dbSNP rs375175765, ClinGen allele CA8923156.

ClinVar aggregate classification (germline): Uncertain significance (1 of 4 stars; one submission).

gnomAD v4.1: 9 of 1,613,912 alleles (0.00056%); highest among the groups gnomAD compares: Non-Finnish European, 0.00076%; no homozygotes.

Submission:

Labcorp Genetics (formerly Invitae), Labcorp
Classification: Uncertain significance. Last evaluated: 2021-11-11. Review status: criteria provided, single submitter. Criteria: Invitae Variant Classification Sherloc (09022015). Collection method: clinical testing. Allele origin: germline.
Comment: This variant is present in population databases (rs375175765, gnomAD 0.002%). In summary, the available evidence is currently insufficient to determine the role of this variant in disease. Therefore, it has been classified as a Variant of Uncertain Significance. Algorithms developed to predict the effect of missense changes on protein structure and function (SIFT, PolyPhen-2, Align-GVGD) all suggest that this variant is likely to be tolerated. This variant has not been reported in the literature in individuals affected with CDH2-related conditions. This sequence change replaces isoleucine, which is neutral and non-polar, with methionine, which is neutral and non-polar, at codon 801 of the CDH2 protein (p.Ile801Met).